The following is an entry in ClinVar:

NM_001278116.2(L1CAM):c.2313C>T (p.Pro771=)

Gene: L1CAM (L1 cell adhesion molecule; minus strand). Cytogenetic location: Xq28.
Variant type: single nucleotide variant.
Coding change: c.2313C>T on transcript NM_001278116.2 (MANE Select); coding-DNA position 2313, C replaced by T.
Protein change: p.Pro771=; no amino-acid change (proline 771 retained).
Molecular consequence: synonymous variant.
Genome position (GRCh38, 1-based): chrX:153,866,767, G>A on the plus strand (C>T on the coding strand, the complement: L1CAM is on the minus strand). VCF-style: chrX-153866767-G-A. GRCh37 (hg19) VCF-style: chrX-153132222-G-A.
Other names: c.2313C>T, p.Pro771= (NM_000425.5, NM_024003.3); c.2298C>T, p.Pro766= (NM_001143963.2).
Identifiers: ClinVar variation 3234809 (VCV003234809.20), dbSNP rs2064717004, ClinGen allele CA519343736.

ClinVar aggregate classification (germline): Likely benign (1 of 4 stars; one submission).

Submission:

CeGaT Center for Human Genetics Tuebingen
Classification: Likely benign. Last evaluated: 2024-04-01. Review status: criteria provided, single submitter. Criteria: CeGaT Center For Human Genetics Tuebingen Variant Classification Criteria Version 2. Collection method: clinical testing. Allele origin: germline. Affected: yes. Observed: 1 variant allele.
Comment: L1CAM: PM2:Supporting, BP4, BP7